The following is an entry in ClinVar:

NM_014008.5(CCDC22):c.1874G>A (p.Arg625Gln)

Gene: CCDC22 (CCC complex scaffolding subunit CCDC22; plus strand). Cytogenetic location: Xp11.23.
Variant type: single nucleotide variant.
Coding change: c.1874G>A on transcript NM_014008.5 (MANE Select); coding-DNA position 1874, G replaced by A.
Protein change: p.Arg625Gln; replaces arginine 625 with glutamine.
Molecular consequence: missense variant.
Genome position (GRCh38, 1-based): chrX:49,250,251, G>A. VCF-style: chrX-49250251-G-A. GRCh37 (hg19) VCF-style: chrX-49106712-G-A.
Other names: short protein forms R625Q.
Identifiers: ClinVar variation 2660528 (VCV002660528.24), dbSNP rs1557115222, ClinGen allele CA412946759.
Genomic context (GRCh38, chrX:49,250,251, plus strand): 5'-AGATCCGGGAGGACTACCGAGCCCTCCGCCAGGAGAACGCTGGCCTCCTAGGCCGGGTCC[G>A]GGAGGCCTGAGGAGCCGCCGGCAGAGGTCTCTCCCCAGCCTCAGGCAGGGATTTGGGGTG-3'
Protein context (NP_054727.1, residues 615-627): QENAGLLGRV[Arg625Gln]EA

ClinVar aggregate classification (germline): Uncertain significance (1 of 4 stars; one submission).

Allele frequency attached by ClinVar (database versions not stated): gnomAD exomes 0.00001.
gnomAD v4.1: 5 of 1,128,993 alleles (0.00044%); highest among the groups gnomAD compares: South Asian, 0.0019%; no homozygotes.

Submission:

CeGaT Center for Human Genetics Tuebingen
Classification: Uncertain significance. Last evaluated: 2022-07-01. Review status: criteria provided, single submitter. Criteria: CeGaT Center For Human Genetics Tuebingen Variant Classification Criteria Version 2. Collection method: clinical testing. Allele origin: germline. Affected: yes. Observed: 1 variant allele.
Comment: CCDC22: PM2, BP4